The following is an entry in ClinVar:

ClinVar aggregate classification (germline): Uncertain significance. Review status: criteria provided, multiple submitters, no conflicts (2 of 4 stars). 2 submissions from 2 submitters: Uncertain significance (2). Last evaluated 2024-07-22.

Conditions:
Candidiasis, familial, 9 (CANDF9). Identifiers: Orphanet 1334, MedGen C4225324, MONDO:0014642, OMIM 616445.

Allele frequency attached by ClinVar (database versions not stated): TOPMed below 0.00001; ExAC 0.00001; gnomAD 0.00001; gnomAD exomes 0.00001.
gnomAD v4.1: 22 of 1,613,048 alleles (0.0014%); highest among the groups gnomAD compares: Non-Finnish European, 0.0017%; no homozygotes.

Submissions (2):

Blueprint Genetics
Classification: Uncertain significance. Last evaluated: 2024-07-22. Review status: criteria provided, single submitter. Criteria: ACMG Guidelines, 2015. Collection method: clinical testing. Allele origin: germline.

Labcorp Genetics (formerly Invitae), Labcorp
Classification: Uncertain significance for Candidiasis, familial, 9. Last evaluated: 2022-08-21. Review status: criteria provided, single submitter. Criteria: Invitae Variant Classification Sherloc (09022015). Collection method: clinical testing. Allele origin: germline.
Comment: This sequence change replaces alanine, which is neutral and non-polar, with aspartic acid, which is acidic and polar, at codon 742 of the IL17RC protein (p.Ala742Asp). The frequency data for this variant in the population databases is considered unreliable, as metrics indicate poor data quality at this position in the gnomAD database. This variant has not been reported in the literature in individuals affected with IL17RC-related conditions. ClinVar contains an entry for this variant (Variation ID: 962422). Algorithms developed to predict the effect of missense changes on protein structure and function (SIFT, PolyPhen-2, Align-GVGD) all suggest that this variant is likely to be tolerated. In summary, the available evidence is currently insufficient to determine the role of this variant in disease. Therefore, it has been classified as a Variant of Uncertain Significance.

NM_153460.4(IL17RC):c.2012C>A (p.Ala671Asp)

Gene: IL17RC (interleukin 17 receptor C; plus strand). Cytogenetic location: 3p25.3.
Variant type: single nucleotide variant.
Coding change: c.2012C>A on transcript NM_153460.4 (MANE Select); coding-DNA position 2012, C replaced by A.
Protein change: p.Ala671Asp; replaces alanine 671 with aspartic acid.
Molecular consequence: missense variant. On other transcripts: non-coding transcript variant (1).
Genome position (GRCh38, 1-based): chr3:9,933,442, C>A. VCF-style: chr3-9933442-C-A. GRCh37 (hg19) VCF-style: chr3-9975126-C-A.
Other names: c.1973C>A, p.Ala658Asp (NM_001203263.2); c.1922C>A, p.Ala641Asp (NM_001203264.2); c.1916C>A, p.Ala639Asp (NM_001203265.2); c.1934C>A, p.Ala645Asp (NM_001367278.1); c.1853C>A, p.Ala618Asp (NM_001367279.1); c.1928C>A, p.Ala643Asp (NM_001367280.1); c.1967C>A, p.Ala656Asp (NM_032732.6); c.2225C>A, p.Ala742Asp (NM_153461.4); short protein forms A618D, A641D, A656D, A639D, A658D, A643D, A645D, A671D.
Identifiers: ClinVar variation 962422 (VCV000962422.7), dbSNP rs752995417, ClinGen allele CA2247461.